The following is an entry in ClinVar:

NM_024675.4(PALB2):c.288A>C (p.Thr96=)

Gene: PALB2 (partner and localizer of BRCA2; minus strand). Cytogenetic location: 16p12.2.
Variant type: single nucleotide variant.
Coding change: c.288A>C on transcript NM_024675.4 (MANE Select); coding-DNA position 288, A replaced by C.
Protein change: p.Thr96=; no amino-acid change (threonine 96 retained).
Molecular consequence: synonymous variant.
Genome position (GRCh38, 1-based): chr16:23,636,258, T>G on the plus strand (A>C on the coding strand, the complement: PALB2 is on the minus strand). VCF-style: chr16-23636258-T-G. GRCh37 (hg19) VCF-style: chr16-23647579-T-G.
Identifiers: ClinVar variation 241555 (VCV000241555.20), dbSNP rs878855114, ClinGen allele CA10583384.

ClinVar aggregate classification (germline): Benign/Likely benign. Review status: criteria provided, multiple submitters, no conflicts (2 of 4 stars). 6 submissions from 6 submitters: Benign (1); Likely benign (5). Last evaluated 2025-11-24.

Conditions:
Hereditary cancer-predisposing syndrome. Also called: Tumor predisposition; Neoplastic Syndromes, Hereditary; Hereditary Cancer Syndrome; Hereditary neoplastic syndrome. Identifiers: Orphanet 140162, MedGen C0027672, MeSH D009386, MONDO:0015356.
Familial cancer of breast. Also called: Hereditary breast cancer; BREAST CANCER, FAMILIAL; hereditary breast carcinoma. Identifiers: Orphanet 227535, MedGen C0346153, MONDO:0016419, OMIM 114480. Disease mechanism: loss of function.

Allele frequency attached by ClinVar (database versions not stated): gnomAD exomes below 0.00001; TOPMed 0.00002.
gnomAD v4.1: 3 of 1,613,994 alleles (0.00019%); highest among the groups gnomAD compares: Non-Finnish European, 0.000085%; no homozygotes.

Submissions (6):

Labcorp Genetics (formerly Invitae), Labcorp
Classification: Likely benign for Familial cancer of breast. Last evaluated: 2025-11-24. Review status: criteria provided, single submitter. Criteria: Invitae Variant Classification Sherloc (09022015). Collection method: clinical testing. Allele origin: germline.

Myriad Genetics, Inc.
Classification: Benign for Familial cancer of breast. Last evaluated: 2025-01-10. Review status: criteria provided, single submitter. Criteria: Myriad Autosomal Dominant, Autosomal Recessive and X-Linked Classification Criteria (2023). Collection method: clinical testing. Allele origin: unknown.
Comment: This variant is considered benign. This variant is a silent/synonymous amino acid change and it is not expected to impact splicing.

Sema4
Classification: Likely benign for Hereditary cancer-predisposing syndrome. Last evaluated: 2021-11-06. Review status: criteria provided, single submitter. Criteria: Sema4 Curation Guidelines. Collection method: curation. Allele origin: germline.

Color Diagnostics, LLC DBA Color Health
Classification: Likely benign for Hereditary cancer-predisposing syndrome. Last evaluated: 2019-08-27. Review status: criteria provided, single submitter. Criteria: ACMG Guidelines, 2015. Collection method: clinical testing. Allele origin: germline.

Ambry Genetics
Classification: Likely benign for Hereditary cancer-predisposing syndrome. Last evaluated: 2015-12-28. Review status: criteria provided, single submitter. Criteria: Ambry Variant Classification Scheme 2023. Collection method: clinical testing. Allele origin: germline.

GeneDx
Classification: Likely benign. Last evaluated: 2015-11-24. Review status: criteria provided, single submitter. Criteria: GeneDx Variant Classification (06012015). Collection method: clinical testing. Allele origin: germline. Affected: yes.
Comment: This variant is considered likely benign or benign based on one or more of the following criteria: it is a conservative change, it occurs at a poorly conserved position in the protein, it is predicted to be benign by multiple in silico algorithms, and/or has population frequency not consistent with disease.